The following is an entry in ClinVar:

ClinVar aggregate classification (germline): Uncertain significance. Review status: criteria provided, multiple submitters, no conflicts (2 of 4 stars). 2 submissions from 2 submitters: Uncertain significance (2). Last evaluated 2018-03-09.

Conditions:
Developmental and epileptic encephalopathy. Identifiers: MedGen C5779964, MONDO:0100620.
Early Myoclonic Encephalopathy. Identifiers: MedGen C0270855.

Allele frequency attached by ClinVar (database versions not stated): gnomAD exomes below 0.00001; TOPMed below 0.00001.
gnomAD v4.1: 3 of 1,599,304 alleles (0.00019%); highest among the groups gnomAD compares: Non-Finnish European, 0.00026%; no homozygotes.

Submissions (2):

Labcorp Genetics (formerly Invitae), Labcorp
Classification: Uncertain significance for Early-infantile DEE. Last evaluated: 2018-03-09. Review status: criteria provided, single submitter. Criteria: Invitae Variant Classification Sherloc (09022015). Collection method: clinical testing. Allele origin: germline.
Comment: This sequence change replaces alanine with valine at codon 134 of the SLC25A22 protein (p.Ala134Val). The alanine residue is highly conserved and there is a small physicochemical difference between alanine and valine. This variant is not present in population databases (ExAC no frequency). This variant has not been reported in the literature in individuals with SLC25A22-related disease. ClinVar contains an entry for this variant (Variation ID: 306266). Algorithms developed to predict the effect of missense changes on protein structure and function do not agree on the potential impact of this missense change (SIFT: "Deleterious"; PolyPhen-2: "Probably Damaging"; Align-GVGD: "Class C0"). Algorithms developed to predict the effect of sequence changes on RNA splicing suggest that this variant may create or strengthen a splice site, but this prediction has not been confirmed by published transcriptional studies. In summary, the available evidence is currently insufficient to determine the role of this variant in disease. Therefore, it has been classified as a Variant of Uncertain Significance.

Illumina Laboratory Services, Illumina
Classification: Uncertain significance for Developmental and epileptic encephalopathy, 3. Last evaluated: 2018-01-12. Review status: criteria provided, single submitter. Criteria: ICSL Variant Classification Criteria 13 December 2019. Collection method: clinical testing. Allele origin: germline.

NM_001191061.2(SLC25A22):c.401C>T (p.Ala134Val)

Gene: SLC25A22 (solute carrier family 25 member 22; minus strand). Cytogenetic location: 11p15.5.
Variant type: single nucleotide variant.
Coding change: c.401C>T on transcript NM_001191061.2 (MANE Select); coding-DNA position 401, C replaced by T.
Protein change: p.Ala134Val; replaces alanine 134 with valine.
Molecular consequence: missense variant.
Genome position (GRCh38, 1-based): chr11:792,881, G>A on the plus strand (C>T on the coding strand, the complement: SLC25A22 is on the minus strand). VCF-style: chr11-792881-G-A. GRCh37 (hg19) VCF-style: chr11-792881-G-A.
Other names: c.401C>T, p.Ala134Val (NM_001191060.2, NM_024698.6); short protein forms A134V.
Identifiers: ClinVar variation 306266 (VCV000306266.11), dbSNP rs886048697, ClinGen allele CA10635751.